The following is an entry in ClinVar:

NM_133372.3(FNIP1):c.859C>T (p.Arg287Ter)

Gene: FNIP1 (folliculin interacting protein 1; minus strand). Cytogenetic location: 5q31.1.
Variant type: single nucleotide variant.
Coding change: c.859C>T on transcript NM_133372.3 (MANE Select); coding-DNA position 859, C replaced by T.
Protein change: p.Arg287Ter; replaces arginine 287 with a stop codon.
Molecular consequence: nonsense.
Genome position (GRCh38, 1-based): chr5:131,706,466, G>A on the plus strand (C>T on the coding strand, the complement: FNIP1 is on the minus strand). VCF-style: chr5-131706466-G-A. GRCh37 (hg19) VCF-style: chr5-131042159-G-A.
Other names: c.775C>T, p.Arg259Ter (NM_001008738.3); c.859C>T, p.Arg287Ter (NM_001346113.2); c.724C>T, p.Arg242Ter (NM_001346114.2); short protein forms R242*, R259*, R287*.
Identifiers: ClinVar variation 3669058 (VCV003669058.2).
Genomic context (GRCh38, chr5:131,706,466, plus strand): 5'-CTTACCATCTAGGAAATACCCCATTTTCCAAACTTGTTGTTTGGCTGCGTCGCCAACGTC[G>A]CTGGTAGCTGCTGGCACAACTTCGGGTAAGTGAGGAGTTTGGGGAAGGAAATGGAGTGAT-3'

ClinVar aggregate classification (germline): Pathogenic (1 of 4 stars; one submission).

gnomAD v4.1: 3 of 1,613,320 alleles (0.00019%); highest among the groups gnomAD compares: Non-Finnish European, 0.00017%; no homozygotes.

Submission:

Labcorp Genetics (formerly Invitae), Labcorp
Classification: Pathogenic. Last evaluated: 2024-05-02. Review status: criteria provided, single submitter. Criteria: Invitae Variant Classification Sherloc (09022015). Collection method: clinical testing. Allele origin: germline.
Comment: This sequence change creates a premature translational stop signal (p.Arg287*) in the FNIP1 gene. It is expected to result in an absent or disrupted protein product. Loss-of-function variants in FNIP1 are known to be pathogenic (PMID: 32181500, 32905580). This variant is not present in population databases (gnomAD no frequency). This variant has not been reported in the literature in individuals affected with FNIP1-related conditions. For these reasons, this variant has been classified as Pathogenic.

Literature cited by the submitters: PubMed 32181500; PubMed 32905580.